The following is an entry in ClinVar:

NM_000081.4(LYST):c.1487G>A (p.Cys496Tyr)

Gene: LYST (lysosomal trafficking regulator; minus strand). Cytogenetic location: 1q42.3.
Variant type: single nucleotide variant.
Coding change: c.1487G>A on transcript NM_000081.4 (MANE Select); coding-DNA position 1487, G replaced by A.
Protein change: p.Cys496Tyr; replaces cysteine 496 with tyrosine.
Molecular consequence: missense variant.
Genome position (GRCh38, 1-based): chr1:235,809,331, C>T on the plus strand (G>A on the coding strand, the complement: LYST is on the minus strand). VCF-style: chr1-235809331-C-T. GRCh37 (hg19) VCF-style: chr1-235972631-C-T.
Other names: c.1487G>A, p.Cys496Tyr (NM_001301365.1); short protein forms C496Y.
Identifiers: ClinVar variation 1415997 (VCV001415997.5), dbSNP rs1558282813, ClinGen allele CA344962290.

ClinVar aggregate classification (germline): Uncertain significance (1 of 4 stars; one submission).

Conditions:
Chédiak-Higashi syndrome (CHS). Also called: Chediak-Higashi Syndrome. Identifiers: Orphanet 167, MedGen C0007965, MONDO:0008963, OMIM 214500.

Allele frequency attached by ClinVar (database versions not stated): gnomAD exomes 0.00001.

Submission:

Labcorp Genetics (formerly Invitae), Labcorp
Classification: Uncertain significance for Chédiak-Higashi syndrome. Last evaluated: 2022-02-10. Review status: criteria provided, single submitter. Criteria: Invitae Variant Classification Sherloc (09022015). Collection method: clinical testing. Allele origin: germline.
Comment: This sequence change replaces cysteine, which is neutral and slightly polar, with tyrosine, which is neutral and polar, at codon 496 of the LYST protein (p.Cys496Tyr). This variant is not present in population databases (gnomAD no frequency). This variant has not been reported in the literature in individuals affected with LYST-related conditions. Algorithms developed to predict the effect of missense changes on protein structure and function are either unavailable or do not agree on the potential impact of this missense change (SIFT: "Tolerated"; PolyPhen-2: "Probably Damaging"; Align-GVGD: "Class C0"). In summary, the available evidence is currently insufficient to determine the role of this variant in disease. Therefore, it has been classified as a Variant of Uncertain Significance.